The following is an entry in ClinVar:

NM_000257.4(MYH7):c.5378_5380del (p.Leu1793del)

Gene: MYH7 (myosin heavy chain 7; minus strand). Cytogenetic location: 14q11.2.
Variant type: Deletion.
Coding change: c.5378_5380del on transcript NM_000257.4 (MANE Select); coding-DNA positions 5378 to 5380, 3 bases deleted (TGC; older notation c.5378_5380delTGC).
Protein change: p.Leu1793del; deletes leucine 1793.
Molecular consequence: inframe deletion.
Genome position (GRCh38, 1-based): chr14:23,415,174-23,415,176, GCA deleted on the plus strand (TGC on the coding strand, the reverse complement: MYH7 is on the minus strand); deleting any 3 consecutive bases within chr14:23,415,174-23,415,177 gives the same sequence; the c. name uses the placement nearest the transcript's 3' end. VCF-style (leftmost placement, unchanged base first): chr14-23415173-TGCA-T. GRCh37 (hg19) VCF-style: chr14-23884382-TGCA-T.
Other names: c.5378_5380delTGC (NM_000257.4); short protein forms L1793del.
Identifiers: ClinVar variation 143218 (VCV000143218.4), dbSNP rs587779396, ClinGen allele CA016017.
Genomic context (GRCh38, chr14:23,415,173, plus strand): 5'-TTCTGCAGCTGCTTCTTGCCGCCCTTGAGGGCGATCTGCTCGGCTTCGTCCAGCCGGTGC[TGCA>T]GGTCCTTAATGGTCTGTTCCATGTTCTTCTTCATGCGCTCCAGGTGGGCGCTGGTGTCCT-3'

ClinVar aggregate classification (germline): Pathogenic. Review status: no assertion criteria provided (0 of 4 stars). 2 submissions from 2 submitters: Pathogenic (1). 1 of the submissions does not count toward it. Last evaluated 2013-01-01.

Conditions:
MYH7-related skeletal myopathy. Also called: Myopathy, distal, 1; MYOPATHY, DISTAL, EARLY-ONSET, AUTOSOMAL DOMINANT; MYOPATHY, LATE DISTAL HEREDITARY; Laing early-onset distal myopathy; Laing distal myopathy. Identifiers: Orphanet 59135, MedGen C4552004, MONDO:0008050, OMIM 160500.
Dilated cardiomyopathy 1S (CMD1S). Identifiers: Orphanet 154, Orphanet 54260, MedGen C1834481, MONDO:0013262, OMIM 613426.

Submissions (2):

Neurogenetics Laboratory, Royal Perth Hospital
Classification: Pathogenic for Myopathy, distal, 1; Dilated cardiomyopathy 1S. Last evaluated: 2013-01-01. Review status: no assertion criteria provided. Collection method: clinical testing. Allele origin: germline. Affected: yes. Observed: 1 variant allele.

GeneReviews
No classification provided. Condition: MYH7-related skeletal myopathy. Review status: no classification provided. Collection method: literature only. Allele origin: germline. Not counted in ClinVar's aggregate classification.

Literature cited by the submitters: PubMed 24664454 (cited by Neurogenetics Laboratory, Royal Perth Hospital and GeneReviews); NCBI Bookshelf NBK1433 (cited by GeneReviews).